The following is an entry in ClinVar:

NM_000143.4(FH):c.1171C>T (p.His391Tyr)

Gene: FH (fumarate hydratase; minus strand). Cytogenetic location: 1q43.
Variant type: single nucleotide variant.
Coding change: c.1171C>T on transcript NM_000143.4 (MANE Select); coding-DNA position 1171, C replaced by T.
Protein change: p.His391Tyr; replaces histidine 391 with tyrosine.
Molecular consequence: missense variant.
Genome position (GRCh38, 1-based): chr1:241,502,508, G>A on the plus strand (C>T on the coding strand, the complement: FH is on the minus strand). VCF-style: chr1-241502508-G-A. GRCh37 (hg19) VCF-style: chr1-241665808-G-A.
Other names: short protein forms H391Y.
Identifiers: ClinVar variation 1739718 (VCV001739718.8), dbSNP rs2527316631, ClinGen allele CA345437437.

ClinVar aggregate classification (germline): Uncertain significance. Review status: criteria provided, multiple submitters, no conflicts (2 of 4 stars). 2 submissions from 2 submitters: Uncertain significance (2). Last evaluated 2025-12-16.

Conditions:
Hereditary cancer-predisposing syndrome. Also called: Tumor predisposition; Hereditary Cancer Syndrome; Hereditary neoplastic syndrome; Neoplastic Syndromes, Hereditary. Identifiers: Orphanet 140162, MedGen C0027672, MeSH D009386, MONDO:0015356.

Submissions (2):

Ambry Genetics
Classification: Uncertain significance for Hereditary cancer-predisposing syndrome. Last evaluated: 2025-12-16. Review status: criteria provided, single submitter. Criteria: Ambry Variant Classification Scheme 2023. Collection method: clinical testing. Allele origin: germline.
Comment: The p.H391Y variant (also known as c.1171C>T), located in coding exon 8 of the FH gene, results from a C to T substitution at nucleotide position 1171. The histidine at codon 391 is replaced by tyrosine, an amino acid with similar properties. This amino acid position is highly conserved in available vertebrate species. In addition, this alteration is predicted to be deleterious by in silico analysis. Based on the available evidence, the clinical significance of this variant remains unclear.

Labcorp Genetics (formerly Invitae), Labcorp
Classification: Uncertain significance. Last evaluated: 2024-12-20. Review status: criteria provided, single submitter. Criteria: Invitae Variant Classification Sherloc (09022015). Collection method: clinical testing. Allele origin: germline.
Comment: This sequence change replaces histidine, which is basic and polar, with tyrosine, which is neutral and polar, at codon 391 of the FH protein (p.His391Tyr). This variant is not present in population databases (gnomAD no frequency). This variant has not been reported in the literature in individuals affected with FH-related conditions. ClinVar contains an entry for this variant (Variation ID: 1739718). Invitae Evidence Modeling of protein sequence and biophysical properties (such as structural, functional, and spatial information, amino acid conservation, physicochemical variation, residue mobility, and thermodynamic stability) indicates that this missense variant is expected to disrupt FH protein function with a positive predictive value of 95%. In summary, the available evidence is currently insufficient to determine the role of this variant in disease. Therefore, it has been classified as a Variant of Uncertain Significance.